The following is an entry in ClinVar:

ClinVar aggregate classification (germline): Uncertain significance. Review status: criteria provided, multiple submitters, no conflicts (2 of 4 stars). 5 submissions from 5 submitters: Uncertain significance (5). Last evaluated 2025-03-04.

Conditions:
Colorectal cancer, hereditary nonpolyposis, type 7. Identifiers: Orphanet 144, MedGen C1858380, MONDO:0013725, OMIM 614385.
Endometrial carcinoma. Also called: Endometrial carcinoma, somatic. Identifiers: MedGen C0476089, MONDO:0002447, OMIM 608089, HP:0012114.

Allele frequency attached by ClinVar (database versions not stated): gnomAD exomes below 0.00001.
gnomAD v4.1: 2 of 1,613,852 alleles (0.00012%); highest among the groups gnomAD compares: Non-Finnish European, 0.00017%; no homozygotes.

Submissions (5):

Center for Genomic Medicine, Rigshospitalet, Copenhagen University Hospital
Classification: Uncertain significance. Last evaluated: 2025-03-04. Review status: criteria provided, single submitter. Criteria: ACMG Guidelines, 2015. Collection method: clinical testing. Allele origin: germline.

Blueprint Genetics
Classification: Uncertain significance. Last evaluated: 2024-08-19. Review status: criteria provided, single submitter. Criteria: ACMG Guidelines, 2015. Collection method: clinical testing. Allele origin: germline.

Labcorp Genetics (formerly Invitae), Labcorp
Classification: Uncertain significance for Colorectal cancer, hereditary nonpolyposis, type 7. Last evaluated: 2024-04-15. Review status: criteria provided, single submitter. Criteria: Invitae Variant Classification Sherloc (09022015). Collection method: clinical testing. Allele origin: germline.
Comment: This sequence change replaces leucine, which is neutral and non-polar, with glutamine, which is neutral and polar, at codon 1218 of the MLH3 protein (p.Leu1218Gln). This variant is present in population databases (no rsID available, gnomAD 0.0009%). This variant has not been reported in the literature in individuals affected with MLH3-related conditions. ClinVar contains an entry for this variant (Variation ID: 644981). An algorithm developed to predict the effect of missense changes on protein structure and function (PolyPhen-2) suggests that this variant is likely to be disruptive. In summary, the available evidence is currently insufficient to determine the role of this variant in disease. Therefore, it has been classified as a Variant of Uncertain Significance.

Department of Pathology and Laboratory Medicine, Sinai Health System
Classification: Uncertain significance for Endometrial carcinoma. Last evaluated: 2024-03-13. Review status: criteria provided, single submitter. Criteria: ACMG Guidelines, 2015. Collection method: clinical testing. Allele origin: germline. Affected: yes.

Ambry Genetics
Classification: Uncertain significance. Last evaluated: 2023-12-07. Review status: criteria provided, single submitter. Criteria: Ambry Variant Classification Scheme 2023. Collection method: clinical testing. Allele origin: germline.
Comment: The p.L1218Q variant (also known as c.3653T>A), located in coding exon 6 of the MLH3 gene, results from a T to A substitution at nucleotide position 3653. The leucine at codon 1218 is replaced by glutamine, an amino acid with dissimilar properties. This amino acid position is conserved. In addition, this alteration is predicted to be deleterious by in silico analysis. Since supporting evidence is limited at this time, the clinical significance of this alteration remains unclear.

NM_001040108.2(MLH3):c.3653T>A (p.Leu1218Gln)

Gene: MLH3 (mutL homolog 3; minus strand). Cytogenetic location: 14q24.3.
Variant type: single nucleotide variant.
Coding change: c.3653T>A on transcript NM_001040108.2 (MANE Select); coding-DNA position 3653, T replaced by A.
Protein change: p.Leu1218Gln; replaces leucine 1218 with glutamine.
Molecular consequence: missense variant. On other transcripts: intron variant (1).
Genome position (GRCh38, 1-based): chr14:75,033,481, A>T on the plus strand (T>A on the coding strand, the complement: MLH3 is on the minus strand). VCF-style: chr14-75033481-A-T. GRCh37 (hg19) VCF-style: chr14-75500184-A-T.
Other names: c.3644-1302T>A (NM_014381.3); short protein forms L1218Q.
Identifiers: ClinVar variation 644981 (VCV000644981.12), dbSNP rs1208714560, ClinGen allele CA390425480.